The following is an entry in ClinVar:

ClinVar aggregate classification (germline): Uncertain significance (1 of 4 stars; one submission).

Conditions:
Leigh syndrome (NULS). Also called: Leigh's necrotizing encephalopathy; Leigh's disease; Leigh Syndrome (mtDNA deletion); Leigh Disease; Subacute necrotizing encephalopathy; Necrotizing encephalopathy infantile subacute of Leigh. Identifiers: Orphanet 506, MedGen C2931891, MONDO:0009723, OMIM 256000.

Submission:

Wong Mito Lab, Molecular and Human Genetics, Baylor College of Medicine
Classification: Uncertain significance for Leigh syndrome. Last evaluated: 2019-10-17. Review status: criteria provided, single submitter. Criteria: Modified ACMG Guidelines (Unpublished). Collection method: clinical testing. Allele origin: germline.
Comment: The NC_012920.1:m.4495T>C (YP_003024027.1:p.Ile9Thr) variant in MTND2 gene is interpretated to be a Uncertain Significance variant based on the modified ACMG guidelines (unpublished). This variant meets the following evidence codes: BP4

NC_012920.1(MT-ND2):m.4495T>C

Gene: MT-ND2 (mitochondrially encoded NADH dehydrogenase 2; plus strand).
Variant type: single nucleotide variant.
Genome position: chrM-4495-T-C.
Identifiers: ClinVar variation 692450 (VCV000692450.1), dbSNP rs1603219480, ClinGen allele CA414774595.